The following is an entry in ClinVar:

ClinVar aggregate classification (germline): Uncertain significance (1 of 4 stars; one submission).

Conditions:
Familial cancer of breast. Also called: BREAST CANCER, FAMILIAL; hereditary breast carcinoma; Hereditary breast cancer. Identifiers: Orphanet 227535, MedGen C0346153, MONDO:0016419, OMIM 114480. Disease mechanism: loss of function.

Submission:

Labcorp Genetics (formerly Invitae), Labcorp
Classification: Uncertain significance for Familial cancer of breast. Last evaluated: 2022-11-29. Review status: criteria provided, single submitter. Criteria: Invitae Variant Classification Sherloc (09022015). Collection method: clinical testing. Allele origin: germline.
Comment: This variant has not been reported in the literature in individuals affected with PALB2-related conditions. Algorithms developed to predict the effect of sequence changes on RNA splicing suggest that this variant may disrupt the consensus splice site. In summary, the available evidence is currently insufficient to determine the role of this variant in disease. Therefore, it has been classified as a Variant of Uncertain Significance. This variant is not present in population databases (gnomAD no frequency). This sequence change affects codon 1074 of the PALB2 mRNA. It is a 'silent' change, meaning that it does not change the encoded amino acid sequence of the PALB2 protein.

NM_024675.4(PALB2):c.3222G>C (p.Leu1074=)

Gene: PALB2 (partner and localizer of BRCA2; minus strand). Cytogenetic location: 16p12.2.
Variant type: single nucleotide variant.
Coding change: c.3222G>C on transcript NM_024675.4 (MANE Select); coding-DNA position 3222, G replaced by C.
Protein change: p.Leu1074=; no amino-acid change (leucine 1074 retained).
Molecular consequence: synonymous variant. On other transcripts: intron variant (8).
Genome position (GRCh38, 1-based): chr16:23,607,992, C>G on the plus strand (G>C on the coding strand, the complement: PALB2 is on the minus strand). VCF-style: chr16-23607992-C-G. GRCh37 (hg19) VCF-style: chr16-23619313-C-G.
Other names: c.3162G>C, p.Leu1054= (NM_001407296.1); c.3150G>C, p.Leu1050= (NM_001407297.1); c.3060G>C, p.Leu1020= (NM_001407298.1); c.2943G>C, p.Leu981= (NM_001407300.1); c.2337G>C, p.Leu779= (NM_001407304.1, NM_001407305.1, NM_001407306.1); c.2175G>C, p.Leu725= (NM_001407307.1); c.1434G>C, p.Leu478= (NM_001407312.1); c.756G>C, p.Leu252= (NM_001407314.1); and 6 more.
Identifiers: ClinVar variation 2036921 (VCV002036921.4), dbSNP rs2142274073, ClinGen allele CA494175869.